The following is an entry in ClinVar:

ClinVar aggregate classification (germline): Likely benign (0 of 4 stars; one submission).

Conditions:
PIEZO1-related disorder. Also called: PIEZO1-related condition; PIEZO1-Related Disorders.

gnomAD v4.1: 43 of 1,543,320 alleles (0.0028%); highest among the groups gnomAD compares: South Asian, 0.0036%; no homozygotes.

Submission:

PreventionGenetics, part of Exact Sciences
Classification: Likely benign for PIEZO1-related condition. Last evaluated: 2022-01-20. Review status: no assertion criteria provided. Collection method: clinical testing. Allele origin: germline.
Comment: This variant is classified as likely benign based on ACMG/AMP sequence variant interpretation guidelines (Richards et al. 2015 PMID: 25741868, with internal and published modifications).

NM_001142864.4(PIEZO1):c.5211C>T (p.Thr1737=)

Gene: PIEZO1 (piezo type mechanosensitive ion channel component 1 (Er blood group); minus strand). Cytogenetic location: 16q24.3.
Variant type: single nucleotide variant.
Coding change: c.5211C>T on transcript NM_001142864.4 (MANE Select); coding-DNA position 5211, C replaced by T.
Protein change: p.Thr1737=; no amino-acid change (threonine 1737 retained).
Molecular consequence: synonymous variant.
Genome position (GRCh38, 1-based): chr16:88,721,811, G>A on the plus strand (C>T on the coding strand, the complement: PIEZO1 is on the minus strand). VCF-style: chr16-88721811-G-A. GRCh37 (hg19) VCF-style: chr16-88788219-G-A.
Other names: c.3753C>T, p.Thr1251= (NM_014745.1).
Identifiers: ClinVar variation 3036560 (VCV003036560.2), dbSNP rs936403440, ClinGen allele CA286409644.